The following is an entry in ClinVar:

ClinVar aggregate classification (germline): Uncertain significance (1 of 4 stars; one submission).

Conditions:
Vici syndrome (VICIS). Identifiers: Orphanet 1493, MedGen C1855772, MONDO:0009452, OMIM 242840.

Submission:

Labcorp Genetics (formerly Invitae), Labcorp
Classification: Uncertain significance for Vici syndrome. Last evaluated: 2022-02-03. Review status: criteria provided, single submitter. Criteria: Invitae Variant Classification Sherloc (09022015). Collection method: clinical testing. Allele origin: germline.
Comment: In summary, the available evidence is currently insufficient to determine the role of this variant in disease. Therefore, it has been classified as a Variant of Uncertain Significance. Algorithms developed to predict the effect of missense changes on protein structure and function are either unavailable or do not agree on the potential impact of this missense change (SIFT: "Deleterious"; PolyPhen-2: "Benign"; Align-GVGD: "Class C0"). This variant has not been reported in the literature in individuals affected with EPG5-related conditions. This variant is not present in population databases (gnomAD no frequency). This sequence change replaces asparagine, which is neutral and polar, with lysine, which is basic and polar, at codon 1499 of the EPG5 protein (p.Asn1499Lys).

NM_020964.3(EPG5):c.4497C>A (p.Asn1499Lys)

Gene: EPG5 (ectopic P-granules 5 autophagy tethering factor; minus strand). Cytogenetic location: 18q21.1.
Variant type: single nucleotide variant.
Coding change: c.4497C>A on transcript NM_020964.3 (MANE Select); coding-DNA position 4497, C replaced by A.
Protein change: p.Asn1499Lys; replaces asparagine 1499 with lysine.
Molecular consequence: missense variant.
Genome position (GRCh38, 1-based): chr18:45,901,145, G>T on the plus strand (C>A on the coding strand, the complement: EPG5 is on the minus strand). VCF-style: chr18-45901145-G-T. GRCh37 (hg19) VCF-style: chr18-43481110-G-T.
Other names: c.4497C>A, p.Asn1499Lys (NM_001410858.1, NM_001410859.1); short protein forms N1499K.
Identifiers: ClinVar variation 2092521 (VCV002092521.4), dbSNP rs2511711794, ClinGen allele CA402337948.
Genomic context (GRCh38, chr18:45,901,145, plus strand): 5'-CACAGGAGGCTTCGTCGGGTGCAGAGCAAGGGGAGGCTGGGGAGCCTCATGCTTCCGCAA[G>T]TTACTTAAAACCCTTTCTTTAGCTGAAAGAAAATTAAGTCATATATACTGAGCAATCAGG-3'
Protein context (NP_066015.2, residues 1489-1509): PLLAKERVLS[Asn1499Lys]LRKHEAPQPP